The following is an entry in ClinVar:

ClinVar aggregate classification (germline): Uncertain significance (1 of 4 stars; one submission).

Conditions:
Inborn genetic diseases. Identifiers: MedGen C0950123, MeSH D030342.

Allele frequency attached by ClinVar (database versions not stated): gnomAD 0.00001.
gnomAD v4.1: 1 of 1,614,062 alleles (0.000062%); highest among the groups gnomAD compares: Non-Finnish European, 0.000085%; no homozygotes.

Submission:

Ambry Genetics
Classification: Uncertain significance for Inborn genetic diseases. Last evaluated: 2022-06-11. Review status: criteria provided, single submitter. Criteria: Ambry Variant Classification Scheme 2023. Collection method: clinical testing. Allele origin: germline.
Comment: The p.L2132W variant (also known as c.6395T>G), located in coding exon 44 of the LRRK2 gene, results from a T to G substitution at nucleotide position 6395. The leucine at codon 2132 is replaced by tryptophan, an amino acid with similar properties. This amino acid position is conserved. In addition, this alteration is predicted to be deleterious by in silico analysis. Since supporting evidence is limited at this time, the clinical significance of this alteration remains unclear.

NM_198578.4(LRRK2):c.6395T>G (p.Leu2132Trp)

Gene: LRRK2 (leucine rich repeat kinase 2; plus strand). Cytogenetic location: 12q12.
Variant type: single nucleotide variant.
Coding change: c.6395T>G on transcript NM_198578.4 (MANE Select); coding-DNA position 6395, T replaced by G.
Protein change: p.Leu2132Trp; replaces leucine 2132 with tryptophan.
Molecular consequence: missense variant.
Genome position (GRCh38, 1-based): chr12:40,351,552, T>G. VCF-style: chr12-40351552-T-G. GRCh37 (hg19) VCF-style: chr12-40745354-T-G.
Other names: short protein forms L2132W.
Identifiers: ClinVar variation 1753254 (VCV001753254.2), dbSNP rs1325662029, ClinGen allele CA384406489.
Genomic context (GRCh38, chr12:40,351,552, plus strand): 5'-TGAGTTAACTCGATAAGTACTGTTTTGTTATCTTTAAACTTTCTCAGGTCTTTGACATTT[T>G]GAATTCAGCTGAATTAGTCTGTCTGACGAGACGCATTTTATTACCTAAAAACGTAATTGT-3'
Protein context (NP_940980.4, residues 2122-2142): RPTSAQVFDI[Leu2132Trp]NSAELVCLTR